The following is an entry in ClinVar:

NM_015102.5(NPHP4):c.2618dup (p.His873fs)

Gene: NPHP4 (nephrocystin 4; minus strand). Cytogenetic location: 1p36.31.
Variant type: Duplication.
Coding change: c.2618dup on transcript NM_015102.5 (MANE Select); coding-DNA position 2618, one base duplicated (A; older notation c.2618dupA).
Protein change: p.His873fs; shifts the reading frame from histidine 873.
Molecular consequence: frameshift variant. On other transcripts: non-coding transcript variant (1).
Genome position (GRCh38, 1-based): chr1:5,877,292, T duplicated on the plus strand (A on the coding strand, the reverse complement: NPHP4 is on the minus strand). VCF-style (leftmost placement, unchanged base first): chr1-5877291-G-GT. GRCh37 (hg19) VCF-style: chr1-5937351-G-GT.
Other names: c.1079dup, p.His360fs (NM_001291593.2); c.1082dup, p.His361fs (NM_001291594.2); short protein forms H360fs, H361fs, H873fs.
Identifiers: ClinVar variation 4855531 (VCV004855531.1).
Genomic context (GRCh38, chr1:5,877,291, plus strand): 5'-GGTCAGTAGCATGGCAGCCAGCTCACTGTCCACGTCCGCCAGCTTCTGTGCTTGCACCAC[G>GT]TGTTTTCCTGCGAAAGGGTCAGAGCGCGAGTCAGGTAGACGTGCAGTGTCTGCCTTCCAG-3'

ClinVar aggregate classification (germline): Pathogenic (1 of 4 stars; one submission).

Conditions:
Nephronophthisis 4 (NPHP4). Also called: NEPHRONOPHTHISIS 4, JUVENILE. Identifiers: Orphanet 655, MedGen C1847013, MONDO:0011752, OMIM 606966.

Submission:

3billion
Classification: Pathogenic for Nephronophthisis 4. Last evaluated: 2026-01-23. Review status: criteria provided, single submitter. Criteria: ACMG Guidelines, 2015. Collection method: clinical testing. Allele origin: germline. Affected: yes.
Comment: The variant is not observed in the gnomAD v4.1.0 dataset. Predicted Consequence/Location: Frameshift: predicted to result in a loss or disruption of normal protein function through nonsense-mediated decay (NMD) or protein truncation. Multiple pathogenic variants are reported downstream of the variant. The variant has been reported to be associated with NPHP4-related disorder (PMID: 21866095). Therefore, this variant is classified as Pathogenic according to the recommendation of ACMG/AMP guideline.

Literature cited by the submitters: PubMed 21866095.